The following is an entry in ClinVar:

ClinVar aggregate classification (germline): Conflicting classifications of pathogenicity. Review status: criteria provided, conflicting classifications (1 of 4 stars). 2 submissions from 2 submitters: Uncertain significance (1); Likely benign (1). Last evaluated 2022-11-01.

Conditions:
Factor 5 and Factor VIII, combined deficiency of, 2. Identifiers: Orphanet 35909, MedGen C3150889, MONDO:0013331, OMIM 613625.

Allele frequency attached by ClinVar (database versions not stated): gnomAD 0.00232 and 0.00248; 1000 Genomes Project 0.00260; TOPMed 0.00276; 1000 Genomes Project 30x 0.00344.

Submissions (2):

CeGaT Center for Human Genetics Tuebingen
Classification: Likely benign. Last evaluated: 2022-11-01. Review status: criteria provided, single submitter. Criteria: CeGaT Center For Human Genetics Tuebingen Variant Classification Criteria Version 2. Collection method: clinical testing. Allele origin: germline. Affected: yes. Observed: 1 variant allele.
Comment: MCFD2: BS2

Illumina Laboratory Services, Illumina
Classification: Uncertain significance for Factor 5 and Factor VIII, combined deficiency of, 2. Last evaluated: 2018-01-12. Review status: criteria provided, single submitter. Criteria: ICSL Variant Classification Criteria 13 December 2019. Collection method: clinical testing. Allele origin: germline.

NM_139279.6(MCFD2):c.*2848C>T

Genes: MCFD2 (multiple coagulation factor deficiency 2, ER cargo receptor complex subunit; minus strand), MCFD2-AS1 (MCFD2 antisense RNA 1; plus strand). Cytogenetic location: 2p21.
Variant type: single nucleotide variant.
Coding change: c.*2848C>T on transcript NM_139279.6 (MANE Select); 2848 bases downstream of the stop codon, C replaced by T.
Molecular consequence: 3 prime UTR variant.
Genome position (GRCh38, 1-based): chr2:46,902,615, G>A on the plus strand (C>T on the coding strand, the complement: MCFD2 is on the minus strand). VCF-style: chr2-46902615-G-A. GRCh37 (hg19) VCF-style: chr2-47129754-G-A.
Other names: c.*2848C>T (NM_001171506.2, NM_001171507.2, NM_001171508.2 and 3 more transcripts).
Identifiers: ClinVar variation 336332 (VCV000336332.34), dbSNP rs142254354, ClinGen allele CA10613519.